The following is an entry in ClinVar:

NM_001064.4(TKT):c.1539C>G (p.His513Gln)

Genes: TKT (transketolase; minus strand), LOC126806684 (CDK7 strongly-dependent group 2 enhancer GRCh37_chr3:53261945-53263144; plus strand). Cytogenetic location: 3p21.1.
Variant type: single nucleotide variant.
Coding change: c.1539C>G on transcript NM_001064.4 (MANE Select); coding-DNA position 1539, C replaced by G.
Protein change: p.His513Gln; replaces histidine 513 with glutamine.
Molecular consequence: missense variant. On other transcripts: non-coding transcript variant (1).
Genome position (GRCh38, 1-based): chr3:53,228,090, G>C on the plus strand (C>G on the coding strand, the complement: TKT is on the minus strand). VCF-style: chr3-53228090-G-C. GRCh37 (hg19) VCF-style: chr3-53262106-G-C.
Other names: c.1539C>G, p.His513Gln (NM_001135055.3); c.1563C>G, p.His521Gln (NM_001258028.2); short protein forms H513Q, H521Q.
Identifiers: ClinVar variation 773673 (VCV000773673.5), dbSNP rs200391494, ClinGen allele CA2452467.

ClinVar aggregate classification (germline): Likely benign. Review status: criteria provided, single submitter (1 of 4 stars). 2 submissions from 2 submitters: Likely benign (1). 1 of the submissions does not count toward it. Last evaluated 2018-03-31.

Conditions:
TKT-related disorder. Also called: TKT-related condition.

Allele frequency attached by ClinVar (database versions not stated): TOPMed 0.00021; ExAC 0.00028; 1000 Genomes Project 30x 0.00078; 1000 Genomes Project 0.00100.
gnomAD v4.1: 113 of 1,613,446 alleles (0.007%); highest among the groups gnomAD compares: East Asian, 0.16%; no homozygotes.

Submissions (2):

Labcorp Genetics (formerly Invitae), Labcorp
Classification: Likely benign. Last evaluated: 2018-03-31. Review status: criteria provided, single submitter. Criteria: Invitae Variant Classification Sherloc (09022015). Collection method: clinical testing. Allele origin: germline.

PreventionGenetics, part of Exact Sciences
Classification: Likely benign for TKT-related condition. Last evaluated: 2023-06-08. Review status: no assertion criteria provided. Collection method: clinical testing. Allele origin: germline. Not counted in ClinVar's aggregate classification.
Comment: This variant is classified as likely benign based on ACMG/AMP sequence variant interpretation guidelines (Richards et al. 2015 PMID: 25741868, with internal and published modifications).